The following is an entry in ClinVar:

NM_006440.3(TXNRD2):c.-225T>C

Genes: COMT (catechol-O-methyltransferase; plus strand), TXNRD2 (thioredoxin reductase 2; minus strand). Cytogenetic location: 22q11.21.
Variant type: single nucleotide variant.
Coding change: c.-225T>C on transcript NM_006440.3; 225 bases upstream of the start codon, T replaced by C.
Molecular consequence: intron variant (on NM_000754.4).
Genome position (GRCh38, 1-based): chr22:19,942,028, A>G on the plus strand (T>C on the coding strand, the complement: TXNRD2 is on the minus strand). VCF-style: chr22-19942028-A-G. GRCh37 (hg19) VCF-style: chr22-19929551-A-G.
Other names: c.-386+131A>G (NM_001362828.2); c.-92+131A>G (NM_000754.4).
Identifiers: ClinVar variation 678640 (VCV000678640.4), dbSNP rs3788319, ClinGen allele CA14955760.

ClinVar aggregate classification (germline): Benign. Review status: criteria provided, multiple submitters, no conflicts (2 of 4 stars). 2 submissions from 2 submitters: Benign (2). Last evaluated 2018-06-15.

Allele frequency attached by ClinVar (database versions not stated): gnomAD exomes 0.50164; TOPMed 0.52201; gnomAD 0.51657 and 0.51487; 1000 Genomes Project 0.50280; 1000 Genomes Project 30x 0.50578.
gnomAD v4.1: 194,934 of 383,990 alleles (51%); highest among the groups gnomAD compares: African/African-American, 57%; 50,195 homozygotes.

Submissions (2):

GeneDx
Classification: Benign. Last evaluated: 2018-06-15. Review status: criteria provided, single submitter. Criteria: GeneDx Variant Classification (06012015). Collection method: clinical testing. Allele origin: germline. Affected: yes.
Comment: This variant is considered likely benign or benign based on one or more of the following criteria: it is a conservative change, it occurs at a poorly conserved position in the protein, it is predicted to be benign by multiple in silico algorithms, and/or has population frequency not consistent with disease.

Breakthrough Genomics
Classification: Benign. Review status: criteria provided, single submitter. Criteria: ACMG Guidelines, 2015. Collection method: not provided. Allele origin: germline. Inheritance: Autosomal dominant inheritance. Affected: yes.